The following is an entry in ClinVar:

ClinVar aggregate classification (germline): Conflicting classifications of pathogenicity. Review status: criteria provided, conflicting classifications (1 of 4 stars). 4 submissions from 4 submitters: Uncertain significance (3); Likely benign (1). Last evaluated 2026-03-24.

Conditions:
Retinal dystrophy. Also called: Inherited retinal dystrophy. Identifiers: Orphanet 71862, MedGen C0854723, MeSH D058499, MONDO:0019118, HP:0000556.
Bardet-Biedl syndrome (BBS). Identifiers: Orphanet 110, MedGen C0752166, MONDO:0015229.
BBS2-related disorder. Also called: BBS2-related disorders; BBS2-related condition. Identifiers: MedGen CN239228.

Allele frequency attached by ClinVar (database versions not stated): gnomAD 0.00002 and 0.00003; gnomAD exomes 0.00002 and 0.00005; TOPMed 0.00002; ExAC 0.00007; 1000 Genomes Project 30x 0.00016; 1000 Genomes Project 0.00020.
gnomAD v4.1: 32 of 1,614,094 alleles (0.002%); highest among the groups gnomAD compares: East Asian, 0.069%; no homozygotes.

Submissions (4):

PreventionGenetics, part of Exact Sciences
Classification: Uncertain significance for BBS2-related condition. Last evaluated: 2026-03-24. Review status: criteria provided, single submitter. Criteria: ACMG Guidelines, 2015. Collection method: clinical testing. Allele origin: germline.
Comment: The BBS2 c.2125A>T variant is predicted to result in the amino acid substitution p.Thr709Ser. To our knowledge, this variant has not been reported in the literature. This variant is reported in 0.070% of alleles in individuals of East Asian descent in gnomAD, which is likely too frequent to be a primary cause of disease. Although we suspect that this variant may be benign, at this time, the clinical significance of this variant is uncertain due to the absence of conclusive functional and genetic evidence.

Blueprint Genetics
Classification: Likely benign. Last evaluated: 2024-10-25. Review status: criteria provided, single submitter. Criteria: ACMG Guidelines, 2015. Collection method: clinical testing. Allele origin: germline.

Dept Of Ophthalmology, Nagoya University
Classification: Uncertain significance for Retinal dystrophy. Last evaluated: 2023-10-01. Review status: criteria provided, single submitter. Criteria: Submitter's publication. Collection method: research. Allele origin: germline. Affected: yes.

Labcorp Genetics (formerly Invitae), Labcorp
Classification: Uncertain significance for Bardet-Biedl syndrome. Last evaluated: 2022-06-22. Review status: criteria provided, single submitter. Criteria: Invitae Variant Classification Sherloc (09022015). Collection method: clinical testing. Allele origin: germline.
Comment: This sequence change replaces threonine, which is neutral and polar, with serine, which is neutral and polar, at codon 709 of the BBS2 protein (p.Thr709Ser). This variant is present in population databases (rs202054876, gnomAD 0.08%). This variant has not been reported in the literature in individuals affected with BBS2-related conditions. Algorithms developed to predict the effect of missense changes on protein structure and function (SIFT, PolyPhen-2, Align-GVGD) all suggest that this variant is likely to be tolerated. In summary, the available evidence is currently insufficient to determine the role of this variant in disease. Therefore, it has been classified as a Variant of Uncertain Significance.

NM_031885.5(BBS2):c.2125A>T (p.Thr709Ser)

Gene: BBS2 (Bardet-Biedl syndrome 2; minus strand). Cytogenetic location: 16q13.
Variant type: single nucleotide variant.
Coding change: c.2125A>T on transcript NM_031885.5 (MANE Select); coding-DNA position 2125, A replaced by T.
Protein change: p.Thr709Ser; replaces threonine 709 with serine.
Molecular consequence: missense variant. On other transcripts: non-coding transcript variant (5).
Genome position (GRCh38, 1-based): chr16:56,484,802, T>A on the plus strand (A>T on the coding strand, the complement: BBS2 is on the minus strand). VCF-style: chr16-56484802-T-A. GRCh37 (hg19) VCF-style: chr16-56518714-T-A.
Other names: c.2125A>T (NM_031885.3); c.2125A>T, p.Thr709Ser (NM_001377456.1); short protein forms T709S.
Identifiers: ClinVar variation 1388914 (VCV001388914.6), dbSNP rs202054876, ClinGen allele CA8065518.
Genomic context (GRCh38, chr16:56,484,802, plus strand): 5'-TGACCTGTATTTTCCTCACCTAGGAAGAAGCTGTCCCCACTCGCATGATTTTGAACAGTG[T>A]GTTGATGTTATTGCTTCGAATTGCATCCCGACAAGCAGTGATCACCTGGTTCTTTGGTTT-3'
Protein context (NP_114091.4, residues 699-719): RDAIRSNNIN[Thr709Ser]LFKIMRVGTA